The following is an entry in ClinVar:

NM_000169.3(GLA):c.49C>A (p.Arg17Ser)

Genes: GLA (galactosidase alpha; minus strand), RPL36A-HNRNPH2 (RPL36A-HNRNPH2 readthrough; plus strand). Cytogenetic location: Xq22.1.
Variant type: single nucleotide variant.
Coding change: c.49C>A on transcript NM_000169.3 (MANE Select); coding-DNA position 49, C replaced by A.
Protein change: p.Arg17Ser; replaces arginine 17 with serine.
Molecular consequence: missense variant. On other transcripts: non-coding transcript variant (3), intron variant (2).
Genome position (GRCh38, 1-based): chrX:101,407,855, G>T on the plus strand (C>A on the coding strand, the complement: GLA is on the minus strand). VCF-style: chrX-101407855-G-T. GRCh37 (hg19) VCF-style: chrX-100662843-G-T.
Other names: c.49C>A, p.Arg17Ser (NM_001406747.1, NM_001406748.1, NM_001406749.1); c.301-4081G>T (NM_001199973.2); c.178-4081G>T (NM_001199974.2); short protein forms R17S.
Identifiers: ClinVar variation 3636309 (VCV003636309.2).

ClinVar aggregate classification (germline): Uncertain significance (1 of 4 stars; one submission).

Conditions:
Fabry disease. Also called: Fabry's disease; ALPHA-GALACTOSIDASE A DEFICIENCY; ANDERSON-FABRY DISEASE; CERAMIDE TRIHEXOSIDASE DEFICIENCY; GLA DEFICIENCY; HEREDITARY DYSTOPIC LIPIDOSIS. Identifiers: Orphanet 324, MedGen C0002986, MONDO:0010526, OMIM 301500, HP:0001071. Disease mechanism: Fabry disease is due to inactivating mutations in the X-linked GLA gene resulting in deficiency of the enzyme Alpha Galactosidase-A., loss of function.

Submission:

Labcorp Genetics (formerly Invitae), Labcorp
Classification: Uncertain significance for Fabry disease. Last evaluated: 2024-06-19. Review status: criteria provided, single submitter. Criteria: Invitae Variant Classification Sherloc (09022015). Collection method: clinical testing. Allele origin: germline.
Comment: This sequence change replaces arginine, which is basic and polar, with serine, which is neutral and polar, at codon 17 of the GLA protein (p.Arg17Ser). This variant is not present in population databases (gnomAD no frequency). This variant has not been reported in the literature in individuals affected with GLA-related conditions. Algorithms developed to predict the effect of missense changes on protein structure and function output the following: SIFT: "Not Available"; PolyPhen-2: "Benign"; Align-GVGD: "Not Available". The serine amino acid residue is found in multiple mammalian species, which suggests that this missense change does not adversely affect protein function. In summary, the available evidence is currently insufficient to determine the role of this variant in disease. Therefore, it has been classified as a Variant of Uncertain Significance.